The following is an entry in ClinVar:

NM_001372066.1(TFAP2A):c.297C>G (p.Pro99=)

Gene: TFAP2A (transcription factor AP-2 alpha; minus strand). Cytogenetic location: 6p24.3.
Variant type: single nucleotide variant.
Coding change: c.297C>G on transcript NM_001372066.1 (MANE Select); coding-DNA position 297, C replaced by G.
Protein change: p.Pro99=; no amino-acid change (proline 99 retained).
Molecular consequence: synonymous variant.
Genome position (GRCh38, 1-based): chr6:10,410,090, G>C on the plus strand (C>G on the coding strand, the complement: TFAP2A is on the minus strand). VCF-style: chr6-10410090-G-C. GRCh37 (hg19) VCF-style: chr6-10410323-G-C.
Other names: NM_003220.2:c.291C>G; c.273C>G, p.Pro91= (NM_001032280.3); c.279C>G, p.Pro93= (NM_001042425.3).
Identifiers: ClinVar variation 3020843 (VCV003020843.5), dbSNP rs758008816, ClinGen allele CA3631362.

ClinVar aggregate classification (germline): Likely benign. Review status: criteria provided, multiple submitters, no conflicts (2 of 4 stars). 3 submissions from 3 submitters: Likely benign (3). Last evaluated 2026-07-01.

Conditions:
TFAP2A-related disorder. Also called: TFAP2A-related condition.

Allele frequency attached by ClinVar (database versions not stated): gnomAD 0.00002; ExAC 0.00003.
gnomAD v4.1: 79 of 1,612,846 alleles (0.0049%); highest among the groups gnomAD compares: Non-Finnish European, 0.0064%; no homozygotes.

Submissions (3):

CeGaT Center for Human Genetics Tuebingen
Classification: Likely benign. Last evaluated: 2026-07-01. Review status: criteria provided, single submitter. Criteria: CeGaT Center For Human Genetics Tuebingen Variant Classification Criteria Version 2. Collection method: clinical testing. Allele origin: germline. Affected: yes. Observed: 1 variant allele.
Comment: TFAP2A: BP4, BP7

PreventionGenetics, part of Exact Sciences
Classification: Likely benign for TFAP2A-related condition. Last evaluated: 2025-02-08. Review status: criteria provided, single submitter. Criteria: ACMG Guidelines, 2015. Collection method: clinical testing. Allele origin: germline.
Comment: This variant is classified as likely benign based on ACMG/AMP sequence variant interpretation guidelines (Richards et al. 2015 PMID: 25741868, with internal and published modifications).

Labcorp Genetics (formerly Invitae), Labcorp
Classification: Likely benign. Last evaluated: 2023-04-12. Review status: criteria provided, single submitter. Criteria: Invitae Variant Classification Sherloc (09022015). Collection method: clinical testing. Allele origin: germline.